The following is an entry in ClinVar:

ClinVar aggregate classification (germline): Pathogenic (0 of 4 stars; one submission).

Submission:

GenMed Metabolism Lab
Classification: Pathogenic. Review status: no assertion criteria provided. Collection method: not provided. Allele origin: unknown.
Comment: p.Tyr176Cys, Late
ClinVar note: Converted during submission from pathogenic to Pathogenic.

NM_000531.6(OTC):c.527A>G (p.Tyr176Cys)

Gene: OTC (ornithine transcarbamylase; plus strand). Cytogenetic location: Xp11.4.
Variant type: single nucleotide variant.
Coding change: c.527A>G on transcript NM_000531.6 (MANE Select); coding-DNA position 527, A replaced by G.
Protein change: p.Tyr176Cys; replaces tyrosine 176 with cysteine.
Molecular consequence: missense variant.
Genome position (GRCh38, 1-based): chrX:38,401,415, A>G. VCF-style: chrX-38401415-A-G. GRCh37 (hg19) VCF-style: chrX-38260668-A-G.
Other names: short protein forms Y176C.
Identifiers: ClinVar variation 97235 (VCV000097235.2), dbSNP rs72556283, ClinGen allele CA224665.